The following is an entry in ClinVar:

ClinVar aggregate classification (germline): Uncertain significance (1 of 4 stars; one submission).

Allele frequency attached by ClinVar (database versions not stated): gnomAD 0.00001; gnomAD exomes 0.00001; ExAC 0.00002; TOPMed 0.00002; 1000 Genomes Project 0.00020; 1000 Genomes Project 30x 0.00031.
gnomAD v4.1: 18 of 1,613,336 alleles (0.0011%); highest among the groups gnomAD compares: Admixed American, 0.005%; no homozygotes.

Submission:

Labcorp Genetics (formerly Invitae), Labcorp
Classification: Uncertain significance. Last evaluated: 2022-03-19. Review status: criteria provided, single submitter. Criteria: Invitae Variant Classification Sherloc (09022015). Collection method: clinical testing. Allele origin: germline.
Comment: In summary, the available evidence is currently insufficient to determine the role of this variant in disease. Therefore, it has been classified as a Variant of Uncertain Significance. Algorithms developed to predict the effect of missense changes on protein structure and function output the following: SIFT: "Deleterious"; PolyPhen-2: "Benign"; Align-GVGD: "Class C0". The arginine amino acid residue is found in multiple mammalian species, which suggests that this missense change does not adversely affect protein function. This variant has not been reported in the literature in individuals affected with ZDBF2-related conditions. This variant is present in population databases (rs201770559, gnomAD 0.009%). This sequence change replaces lysine, which is basic and polar, with arginine, which is basic and polar, at codon 1875 of the ZDBF2 protein (p.Lys1875Arg).

NM_020923.3(ZDBF2):c.5624A>G (p.Lys1875Arg)

Gene: ZDBF2 (zinc finger DBF-type containing 2; plus strand). Cytogenetic location: 2q33.3.
Variant type: single nucleotide variant.
Coding change: c.5624A>G on transcript NM_020923.3 (MANE Select); coding-DNA position 5624, A replaced by G.
Protein change: p.Lys1875Arg; replaces lysine 1875 with arginine.
Molecular consequence: missense variant.
Genome position (GRCh38, 1-based): chr2:206,310,152, A>G. VCF-style: chr2-206310152-A-G. GRCh37 (hg19) VCF-style: chr2-207174876-A-G.
Other names: c.5618A>G, p.Lys1873Arg (NM_001285549.2); c.5624A>G, p.Lys1875Arg (NM_001369654.1); short protein forms K1875R, K1873R.
Identifiers: ClinVar variation 2193165 (VCV002193165.4), dbSNP rs201770559, ClinGen allele CA2072504.